The following is an entry in ClinVar:

NM_015978.3(TNNI3K):c.935C>T (p.Ala312Val)

Genes: FPGT-TNNI3K (FPGT-TNNI3K readthrough; plus strand), TNNI3K (TNNI3 interacting kinase; plus strand). Cytogenetic location: 1p31.1.
Variant type: single nucleotide variant.
Coding change: c.935C>T on transcript NM_015978.3 (MANE Select); coding-DNA position 935, C replaced by T.
Protein change: p.Ala312Val; replaces alanine 312 with valine.
Molecular consequence: missense variant.
Genome position (GRCh38, 1-based): chr1:74,353,268, C>T. VCF-style: chr1-74353268-C-T. GRCh37 (hg19) VCF-style: chr1-74818952-C-T.
Other names: c.1238C>T, p.Ala413Val (NM_001112808.3, NM_001199327.2); c.935C>T (NM_015978.2); short protein forms A312V, A413V.
Identifiers: ClinVar variation 1717048 (VCV001717048.6), dbSNP rs1356744677, ClinGen allele CA340783495.

ClinVar aggregate classification (germline): Uncertain significance. Review status: criteria provided, multiple submitters, no conflicts (2 of 4 stars). 2 submissions from 2 submitters: Uncertain significance (2). Last evaluated 2025-08-12.

Conditions:
Inborn genetic diseases. Identifiers: MedGen C0950123, MeSH D030342.

Allele frequency attached by ClinVar (database versions not stated): gnomAD exomes below 0.00001.

Submissions (2):

Ambry Genetics
Classification: Uncertain significance for Inborn genetic diseases. Last evaluated: 2025-08-12. Review status: criteria provided, single submitter. Criteria: Ambry Variant Classification Scheme 2023. Collection method: clinical testing. Allele origin: germline.

Labcorp Genetics (formerly Invitae), Labcorp
Classification: Uncertain significance. Last evaluated: 2024-04-09. Review status: criteria provided, single submitter. Criteria: Invitae Variant Classification Sherloc (09022015). Collection method: clinical testing. Allele origin: germline.
Comment: This sequence change replaces alanine, which is neutral and non-polar, with valine, which is neutral and non-polar, at codon 312 of the TNNI3K protein (p.Ala312Val). The frequency data for this variant in the population databases is considered unreliable, as metrics indicate poor data quality at this position in the gnomAD database. This variant has not been reported in the literature in individuals affected with TNNI3K-related conditions. ClinVar contains an entry for this variant (Variation ID: 1717048). An algorithm developed to predict the effect of missense changes on protein structure and function (PolyPhen-2) suggests that this variant is likely to be disruptive. In summary, the available evidence is currently insufficient to determine the role of this variant in disease. Therefore, it has been classified as a Variant of Uncertain Significance.